The following is an entry in ClinVar:

NM_003467.3(CXCR4):c.50G>T (p.Gly17Val)

Gene: CXCR4 (C-X-C motif chemokine receptor 4; minus strand). Cytogenetic location: 2q22.1.
Variant type: single nucleotide variant.
Coding change: c.50G>T on transcript NM_003467.3 (MANE Select); coding-DNA position 50, G replaced by T.
Protein change: p.Gly17Val; replaces glycine 17 with valine.
Molecular consequence: missense variant.
Genome position (GRCh38, 1-based): chr2:136,115,878, C>A on the plus strand (G>T on the coding strand, the complement: CXCR4 is on the minus strand). VCF-style: chr2-136115878-C-A. GRCh37 (hg19) VCF-style: chr2-136873448-C-A.
Other names: c.62G>T, p.Gly21Val (NM_001008540.2); c.263G>T, p.Gly88Val (NM_001348056.2); c.149G>T, p.Gly50Val (NM_001348059.2); c.5G>T, p.Gly2Val (NM_001348060.2); short protein forms G17V, G88V, G50V, G21V, G2V.
Identifiers: ClinVar variation 3719145 (VCV003719145.2).

ClinVar aggregate classification (germline): Uncertain significance (1 of 4 stars; one submission).

Conditions:
Warts, hypogammaglobulinemia, infections, and myelokathexis. Also called: WHIM syndrome. Identifiers: MedGen C0472817, MONDO:0023880.

Submission:

Labcorp Genetics (formerly Invitae), Labcorp
Classification: Uncertain significance for Warts, hypogammaglobulinemia, infections, and myelokathexis. Last evaluated: 2024-05-15. Review status: criteria provided, single submitter. Criteria: Invitae Variant Classification Sherloc (09022015). Collection method: clinical testing. Allele origin: germline.
Comment: This sequence change replaces glycine, which is neutral and non-polar, with valine, which is neutral and non-polar, at codon 17 of the CXCR4 protein (p.Gly17Val). This variant is not present in population databases (gnomAD no frequency). This variant has not been reported in the literature in individuals affected with CXCR4-related conditions. An algorithm developed to predict the effect of missense changes on protein structure and function (PolyPhen-2) suggests that this variant is likely to be disruptive. In summary, the available evidence is currently insufficient to determine the role of this variant in disease. Therefore, it has been classified as a Variant of Uncertain Significance.